The following is an entry in ClinVar:

NM_002691.4(POLD1):c.244C>G (p.Pro82Ala)

Gene: POLD1 (DNA polymerase delta 1, catalytic subunit; plus strand). Cytogenetic location: 19q13.33.
Variant type: single nucleotide variant.
Coding change: c.244C>G on transcript NM_002691.4 (MANE Select); coding-DNA position 244, C replaced by G.
Protein change: p.Pro82Ala; replaces proline 82 with alanine.
Molecular consequence: missense variant. On other transcripts: non-coding transcript variant (1).
Genome position (GRCh38, 1-based): chr19:50,399,412, C>G. VCF-style: chr19-50399412-C-G. GRCh37 (hg19) VCF-style: chr19-50902669-C-G.
Other names: c.244C>G, p.Pro82Ala (NM_001256849.1, NM_001308632.1); short protein forms P82A.
Identifiers: ClinVar variation 420540 (VCV000420540.3), dbSNP rs1064794543, ClinGen allele CA16620883.

ClinVar aggregate classification (germline): Uncertain significance. Review status: criteria provided, multiple submitters, no conflicts (2 of 4 stars). 2 submissions from 2 submitters: Uncertain significance (2). Last evaluated 2025-12-29.

Submissions (2):

Center for Genomic Medicine, Rigshospitalet, Copenhagen University Hospital
Classification: Uncertain significance. Last evaluated: 2025-12-29. Review status: criteria provided, single submitter. Criteria: ACMG Guidelines, 2015. Collection method: clinical testing. Allele origin: germline.

GeneDx
Classification: Uncertain significance. Last evaluated: 2016-02-19. Review status: criteria provided, single submitter. Criteria: GeneDx Variant Classification (06012015). Collection method: clinical testing. Allele origin: germline. Affected: yes.
Comment: This variant is denoted POLD1 c.244C>G at the cDNA level, p.Pro82Ala (P82A) at the protein level, and results in the change of a Proline to an Alanine (CCC>GCC). This variant has not, to our knowledge, been published in the literature as pathogenic or benign. POLD1 Pro82Ala was not observed in approximately 6,500 individuals of European and African American ancestry in the NHLBI Exome Sequencing Project, suggesting it is not a common benign variant in these populations. Since Proline and Alanine differ in some properties, this is considered a semi-conservative amino acid substitution. POLD1 Pro82Ala occurs at a position that is conserved across species and is not located in a known functional domain (Tahirov 2009, Preston 2010). In silico analyses are inconsistent regarding the effect this variant may have on protein structure and function. Based on currently available evidence, it is unclear whether POLD1 Pro82Ala is a pathogenic or benign variant. We consider it to be a variant of uncertain significance.